The following is an entry in ClinVar:

ClinVar aggregate classification (germline): Uncertain significance (1 of 4 stars; one submission).

Conditions:
Familial thoracic aortic aneurysm and aortic dissection (TAAD). Also called: Thoracic aortic aneurysms and dissections. Identifiers: Orphanet 91387, MedGen C4707243, MONDO:0019625.

Submission:

Ambry Genetics
Classification: Uncertain significance for Familial thoracic aortic aneurysm and aortic dissection. Last evaluated: 2025-09-08. Review status: criteria provided, single submitter. Criteria: Ambry Variant Classification Scheme 2023. Collection method: clinical testing. Allele origin: germline.
Comment: The p.D2376Y variant (also known as c.7126G>T), located in coding exon 42 of the FLNA gene, results from a G to T substitution at nucleotide position 7126. The aspartic acid at codon 2376 is replaced by tyrosine, an amino acid with highly dissimilar properties. This amino acid position is well conserved in available vertebrate species. In addition, this alteration is predicted to be deleterious by in silico analysis. Based on the available evidence, the clinical significance of this variant remains unclear.

NM_001110556.2(FLNA):c.7150G>T (p.Asp2384Tyr)

Gene: FLNA (filamin A; minus strand). Cytogenetic location: Xq28.
Variant type: single nucleotide variant.
Coding change: c.7150G>T on transcript NM_001110556.2 (MANE Select); coding-DNA position 7150, G replaced by T.
Protein change: p.Asp2384Tyr; replaces aspartic acid 2384 with tyrosine.
Molecular consequence: missense variant.
Genome position (GRCh38, 1-based): chrX:154,350,915, C>A on the plus strand (G>T on the coding strand, the complement: FLNA is on the minus strand). VCF-style: chrX-154350915-C-A. GRCh37 (hg19) VCF-style: chrX-153579283-C-A.
Other names: c.7126G>T, p.Asp2376Tyr (NM_001456.4); short protein forms D2376Y, D2384Y.
Identifiers: ClinVar variation 4258229 (VCV004258229.1).